The following is an entry in ClinVar:

ClinVar aggregate classification (germline): Likely pathogenic (1 of 4 stars; one submission).

Conditions:
Autosomal recessive limb-girdle muscular dystrophy type 2J (LGMDR10). Also called: Limb-girdle muscular dystrophy, type 2J; MUSCULAR DYSTROPHY, LIMB-GIRDLE, AUTOSOMAL RECESSIVE 10. Identifiers: Orphanet 140922, MedGen C1837342, MONDO:0012127, OMIM 608807.
Dilated cardiomyopathy 1G (CMD1G). Identifiers: Orphanet 154, MedGen C1858763, MONDO:0011400, OMIM 604145.

Submission:

Labcorp Genetics (formerly Invitae), Labcorp
Classification: Likely pathogenic for Dilated cardiomyopathy 1G; Autosomal recessive limb-girdle muscular dystrophy type 2J. Last evaluated: 2024-10-18. Review status: criteria provided, single submitter. Criteria: Invitae Variant Classification Sherloc (09022015). Collection method: clinical testing. Allele origin: germline.
Comment: This sequence change creates a premature translational stop signal (p.Ile4097Leufs*7) in the TTN gene. While this is not anticipated to result in nonsense mediated decay, it is expected to create a truncated TTN protein. This variant is not present in population databases (gnomAD no frequency). This variant has not been observed in the literature in individuals with autosomal recessive TTN-related conditions. This variant has been reported in individual(s) with dilated cardiomyopathy (internal data); however, the role of the variant in this condition is currently unclear. ClinVar contains an entry for this variant (Variation ID: 2093096). This variant is located in the I band of TTN (PMID: 25589632). Truncating variants in this region have been reported in individuals affected with autosomal recessive centronuclear myopathy (PMID: 23975875, internal data). Truncating variants in this region have also been identified in individuals affected with autosomal dominant dilated cardiomyopathy and/or cardio-related conditions (PMID: 27869827, 32964742, internal data). In summary, the currently available evidence indicates that the variant is pathogenic, but additional data are needed to prove that conclusively. Therefore, this variant has been classified as Likely Pathogenic.

Literature cited by the submitters: PubMed 25589632; PubMed 23975875; PubMed 27869827; PubMed 32964742.

NM_001267550.2(TTN):c.12289del (p.Ile4097fs)

Gene: TTN (titin; minus strand). Cytogenetic location: 2q31.2.
Variant type: Deletion.
Coding change: c.12289del on transcript NM_001267550.2 (MANE Select); coding-DNA position 12289, one base deleted (A; older notation c.12289delA).
Protein change: p.Ile4097fs; shifts the reading frame from isoleucine 4097.
Molecular consequence: frameshift variant. On other transcripts: intron variant (1).
Genome position (GRCh38, 1-based): chr2:178,740,944, T deleted on the plus strand (A on the coding strand, the reverse complement: TTN is on the minus strand). VCF-style (leftmost placement, unchanged base first): chr2-178740943-AT-A. GRCh37 (hg19) VCF-style: chr2-179605670-AT-A.
Other names: c.11338del, p.Ile3780fs (NM_001256850.1); c.11200del, p.Ile3734fs (NM_003319.4); c.11575del, p.Ile3859fs (NM_133432.3); c.11776del, p.Ile3926fs (NM_133437.4); c.10361-2584del (NM_133378.4); short protein forms I3926fs, I4097fs, I3780fs, I3734fs, I3859fs.
Identifiers: ClinVar variation 2093096 (VCV002093096.4), dbSNP rs2530691399, ClinGen allele CA2580065164.